The following is an entry in ClinVar:

NM_001172509.2(SATB2):c.762_765dup (p.Pro256fs)

Gene: SATB2 (SATB homeobox 2; minus strand). Cytogenetic location: 2q33.1.
Variant type: Duplication.
Coding change: c.762_765dup on transcript NM_001172509.2 (MANE Select); coding-DNA positions 762 to 765, 4 bases duplicated (TTTA; older notation c.762_765dupTTTA).
Protein change: p.Pro256fs; shifts the reading frame from proline 256.
Molecular consequence: frameshift variant.
Genome position (GRCh38, 1-based): chr2:199,349,109-199,349,112, TAAA duplicated on the plus strand (TTTA on the coding strand, the reverse complement: SATB2 is on the minus strand); duplicating any 4 consecutive bases within chr2:199,349,109-199,349,113 gives the same sequence; the c. name uses the placement nearest the transcript's 3' end. VCF-style (leftmost placement, unchanged base first): chr2-199349108-G-GTAAA. GRCh37 (hg19) VCF-style: chr2-200213831-G-GTAAA.
Other names: c.762_765dup, p.Pro256fs (NM_001172517.1, NM_015265.4); short protein forms P256fs.
Identifiers: ClinVar variation 2806963 (VCV002806963.3), dbSNP rs2468897254, ClinGen allele CA2739279405.

ClinVar aggregate classification (germline): Pathogenic (1 of 4 stars; one submission).

Conditions:
Chromosome 2q32-q33 deletion syndrome (GLASS). Also called: 2q33.1 deletion syndrome; Glass syndrome. Identifiers: Orphanet 251019, MedGen C2676739, MONDO:0012864, OMIM 612313.

Submission:

Labcorp Genetics (formerly Invitae), Labcorp
Classification: Pathogenic for Chromosome 2q32-q33 deletion syndrome. Last evaluated: 2022-11-14. Review status: criteria provided, single submitter. Criteria: Invitae Variant Classification Sherloc (09022015). Collection method: clinical testing. Allele origin: germline.
Comment: This sequence change creates a premature translational stop signal (p.Pro256Phefs*49) in the SATB2 gene. It is expected to result in an absent or disrupted protein product. Loss-of-function variants in SATB2 are known to be pathogenic (PMID: 25885067). This variant is not present in population databases (gnomAD no frequency). For these reasons, this variant has been classified as Pathogenic. This variant has not been reported in the literature in individuals affected with SATB2-related conditions.

Literature cited by the submitters: PubMed 25885067.